The following is an entry in ClinVar:

NM_014026.6(DCPS):c.417C>A (p.His139Gln)

Gene: DCPS (decapping enzyme, scavenger; plus strand). Cytogenetic location: 11q24.2.
Variant type: single nucleotide variant.
Coding change: c.417C>A on transcript NM_014026.6 (MANE Select); coding-DNA position 417, C replaced by A.
Protein change: p.His139Gln; replaces histidine 139 with glutamine.
Molecular consequence: missense variant.
Genome position (GRCh38, 1-based): chr11:126,331,445, C>A. VCF-style: chr11-126331445-C-A. GRCh37 (hg19) VCF-style: chr11-126201340-C-A.
Other names: c.438C>A, p.His146Gln (NM_001350236.2); short protein forms H139Q, H146Q.
Identifiers: ClinVar variation 3907316 (VCV003907316.1).

ClinVar aggregate classification (germline): Uncertain significance (1 of 4 stars; one submission).

gnomAD v4.1: 2 of 1,614,156 alleles (0.00012%); highest among the groups gnomAD compares: Admixed American, 0.0017%; no homozygotes.

Submission:

Women's Health and Genetics/Laboratory Corporation of America, LabCorp
Classification: Uncertain significance. Last evaluated: 2025-06-06. Review status: criteria provided, single submitter. Criteria: LabCorp Variant Classification Summary - May 2015. Collection method: clinical testing. Allele origin: germline.
Comment: Variant summary: DCPS c.417C>A (p.His139Gln) results in a non-conservative amino acid change in the encoded protein sequence. Algorithms developed to predict the effect of missense changes on protein structure and function all suggest that this variant is likely to be disruptive. The variant allele was found at a frequency of 1.2e-06 in 1607182 control chromosomes in the gnomAD database (v4.1 dataset). The available data on variant occurrences in the general population are insufficient to allow any conclusion about variant significance. To our knowledge, no occurrence of c.417C>A in individuals affected with Al-Raqad Syndrome and no experimental evidence demonstrating its impact on protein function have been reported. No submitters have cited clinical-significance assessments for this variant to ClinVar. Based on the evidence outlined above, the variant was classified as uncertain significance.